The following is an entry in ClinVar:

ClinVar aggregate classification (germline): Uncertain significance. Review status: criteria provided, multiple submitters, no conflicts (2 of 4 stars). 2 submissions from 2 submitters: Uncertain significance (2). Last evaluated 2025-10-25.

Conditions:
Hereditary cancer-predisposing syndrome. Also called: Neoplastic Syndromes, Hereditary; Hereditary Cancer Syndrome; Hereditary neoplastic syndrome; Tumor predisposition. Identifiers: Orphanet 140162, MedGen C0027672, MeSH D009386, MONDO:0015356.
Gastrointestinal stromal tumor. Also called: Gastrointestinal stroma tumor; Gastrointestinal stromal tumor, somatic. Identifiers: Orphanet 44890, MedGen C0238198, MeSH D046152, MONDO:0011719, OMIM 606764, HP:0100723.

Allele frequency attached by ClinVar (database versions not stated): gnomAD 0.00001; TOPMed 0.00001.
gnomAD v4.1: 1 of 1,613,102 alleles (0.000062%); highest among the groups gnomAD compares: Non-Finnish European, 0.000085%; no homozygotes.

Submissions (2):

Labcorp Genetics (formerly Invitae), Labcorp
Classification: Uncertain significance for Gastrointestinal stromal tumor. Last evaluated: 2025-10-25. Review status: criteria provided, single submitter. Criteria: Invitae Variant Classification Sherloc (09022015). Collection method: clinical testing. Allele origin: germline.
Comment: This sequence change replaces glutamic acid, which is acidic and polar, with glutamine, which is neutral and polar, at codon 711 of the KIT protein (p.Glu711Gln). This variant is not present in population databases (gnomAD no frequency). This variant has not been reported in the literature in individuals affected with KIT-related conditions. ClinVar contains an entry for this variant (Variation ID: 409728). An algorithm developed to predict the effect of missense changes on protein structure and function (PolyPhen-2) suggests that this variant is likely to be disruptive. In summary, the available evidence is currently insufficient to determine the role of this variant in disease. Therefore, it has been classified as a Variant of Uncertain Significance.

Ambry Genetics
Classification: Uncertain significance for Hereditary cancer-predisposing syndrome. Last evaluated: 2025-05-11. Review status: criteria provided, single submitter. Criteria: Ambry Variant Classification Scheme 2023. Collection method: clinical testing. Allele origin: germline.
Comment: The p.E711Q variant (also known as c.2131G>C), located in coding exon 14 of the KIT gene, results from a G to C substitution at nucleotide position 2131. The glutamic acid at codon 711 is replaced by glutamine, an amino acid with highly similar properties. This amino acid position is conserved. In addition, this alteration is predicted to be tolerated by in silico analysis. Based on the available evidence, the clinical significance of this variant remains unclear.

NM_000222.3(KIT):c.2131G>C (p.Glu711Gln)

Gene: KIT (KIT proto-oncogene, receptor tyrosine kinase; plus strand). Cytogenetic location: 4q12.
Variant type: single nucleotide variant.
Coding change: c.2131G>C on transcript NM_000222.3 (MANE Select); coding-DNA position 2131, G replaced by C.
Protein change: p.Glu711Gln; replaces glutamic acid 711 with glutamine.
Molecular consequence: missense variant.
Genome position (GRCh38, 1-based): chr4:54,729,475, G>C. VCF-style: chr4-54729475-G-C. GRCh37 (hg19) VCF-style: chr4-55595641-G-C.
Other names: c.2119G>C, p.Glu707Gln (NM_001093772.2, NM_001385286.1); c.2134G>C, p.Glu712Gln (NM_001385284.1, NM_001385290.1); c.2131G>C, p.Glu711Gln (NM_001385285.1); c.2122G>C, p.Glu708Gln (NM_001385288.1, NM_001385292.1); short protein forms E711Q, E707Q, E708Q, E712Q.
Identifiers: ClinVar variation 409728 (VCV000409728.18), dbSNP rs1060502544, ClinGen allele CA16611605.
Genomic context (GRCh38, chr4:54,729,475, plus strand): 5'-TGTTCAAAGCAGGAAGATCATGCAGAAGCTGCACTTTATAAGAATCTTCTGCATTCAAAG[G>C]AGTCTTCCTGGTAAGACTGATTTACATAAATAGTTAGCTGTTGACAGGCAGTTCATGGGG-3'
Protein context (NP_000213.1, residues 701-721): ALYKNLLHSK[Glu711Gln]SSCSDSTNEY